The following is an entry in ClinVar:

ClinVar aggregate classification (germline): Conflicting classifications of pathogenicity. Review status: criteria provided, conflicting classifications (1 of 4 stars). 7 submissions from 7 submitters: Uncertain significance (1); Benign (4); Likely benign (2). Last evaluated 2026-01-28.

Conditions:
Hereditary spastic paraplegia. Also called: Familial spastic paraparesis. Identifiers: Orphanet 685, MedGen C0037773, MONDO:0019064. Disease mechanism: loss of function.
Spastic paraplegia. Identifiers: MedGen C0037772, HP:0001258.
Hereditary spastic paraplegia 15 (SPG15). Also called: KJELLIN SYNDROME; SPASTIC PARAPLEGIA 15, AUTOSOMAL RECESSIVE; SPASTIC PARAPLEGIA AND RETINAL DEGENERATION. Identifiers: Orphanet 100996, MedGen C1849128, MONDO:0010044, OMIM 270700.

Allele frequency attached by ClinVar (database versions not stated): gnomAD 0.00236; ESP Exome Variant Server 0.00346; TOPMed 0.00352; 1000 Genomes Project 30x 0.00422; 1000 Genomes Project 0.00459; gnomAD exomes 0.00564; ExAC 0.00613.
gnomAD v4.1: 8,606 of 1,613,792 alleles (0.53%); highest among the groups gnomAD compares: South Asian, 1.8%; 59 homozygotes.

Submissions (7):

Labcorp Genetics (formerly Invitae), Labcorp
Classification: Benign for Spastic paraplegia. Last evaluated: 2026-01-28. Review status: criteria provided, single submitter. Criteria: Invitae Variant Classification Sherloc (09022015). Collection method: clinical testing. Allele origin: germline.

Athena Diagnostics
Classification: Benign. Last evaluated: 2024-05-21. Review status: criteria provided, single submitter. Criteria: Athena Diagnostics Criteria. Collection method: clinical testing. Allele origin: unknown.

Genome Diagnostics Laboratory, The Hospital for Sick Children
Classification: Likely benign for Hereditary spastic paraplegia. Last evaluated: 2021-06-13. Review status: criteria provided, single submitter. Criteria: ACMG Guidelines, 2015. Collection method: clinical testing. Allele origin: germline. Affected: yes.

Illumina Laboratory Services, Illumina
Classification: Likely benign for Hereditary spastic paraplegia 15. Last evaluated: 2018-01-13. Review status: criteria provided, single submitter. Criteria: ICSL Variant Classification Criteria 13 December 2019. Collection method: clinical testing. Allele origin: germline.
Comment: This variant was observed in the ICSL laboratory as part of a predisposition screen in an ostensibly healthy population. It had not been previously curated by ICSL or reported in the Human Gene Mutation Database (HGMD: prior to June 1st, 2018), and was therefore a candidate for classification through an automated scoring system. Utilizing variant allele frequency, disease prevalence and penetrance estimates, and inheritance mode, an automated score was calculated to assess if this variant is too frequent to cause the disease. Based on the score and internal cut-off values, a variant classified as likely benign is not then subjected to further curation. The score for this variant resulted in a classification of likely benign for this disease.

GeneDx
Classification: Benign. Last evaluated: 2017-02-16. Review status: criteria provided, single submitter. Criteria: GeneDx Variant Classification (06012015). Collection method: clinical testing. Allele origin: germline. Affected: yes.
Comment: This variant is considered likely benign or benign based on one or more of the following criteria: it is a conservative change, it occurs at a poorly conserved position in the protein, it is predicted to be benign by multiple in silico algorithms, and/or has population frequency not consistent with disease.

Mayo Clinic Laboratories, Mayo Clinic
Classification: Benign. Last evaluated: 2016-05-19. Review status: criteria provided, single submitter. Criteria: ACMG Guidelines, 2015. Collection method: clinical testing. Allele origin: germline. Observed: 15 variant alleles.

CeGaT Center for Human Genetics Tuebingen
Classification: Uncertain significance. Last evaluated: 2016-05-01. Review status: criteria provided, single submitter. Criteria: CeGaT Center For Human Genetics Tuebingen Variant Classification Criteria Version 2. Collection method: clinical testing. Allele origin: germline. Affected: yes. Observed: 2 variant alleles.

NM_015346.4(ZFYVE26):c.7417-5G>C

Gene: ZFYVE26 (zinc finger FYVE-type containing 26; minus strand). Cytogenetic location: 14q24.1.
Variant type: single nucleotide variant.
Coding change: c.7417-5G>C on transcript NM_015346.4 (MANE Select); 5 bases into the intron before coding-DNA position 7417, G replaced by C.
Molecular consequence: intron variant.
Genome position (GRCh38, 1-based): chr14:67,748,644, C>G on the plus strand (G>C on the coding strand, the complement: ZFYVE26 is on the minus strand). VCF-style: chr14-67748644-C-G. GRCh37 (hg19) VCF-style: chr14-68215361-C-G.
Other names: p.?.
Identifiers: ClinVar variation 215520 (VCV000215520.62), dbSNP rs201771769, ClinGen allele CA335934.